The following is an entry in ClinVar:

NM_000283.4(PDE6B):c.2210C>T (p.Ala737Val)

Gene: PDE6B (phosphodiesterase 6B; plus strand). Cytogenetic location: 4p16.3.
Variant type: single nucleotide variant.
Coding change: c.2210C>T on transcript NM_000283.4 (MANE Select); coding-DNA position 2210, C replaced by T.
Protein change: p.Ala737Val; replaces alanine 737 with valine.
Molecular consequence: missense variant.
Genome position (GRCh38, 1-based): chr4:665,271, C>T. VCF-style: chr4-665271-C-T. GRCh37 (hg19) VCF-style: chr4-659060-C-T.
Other names: c.2210C>T, p.Ala737Val (NM_001145291.2); c.1373C>T, p.Ala458Val (NM_001145292.2, NM_001350154.3, NM_001379246.1 and 1 more transcripts); c.1055C>T, p.Ala352Val (NM_001350155.3); short protein forms A352V, A458V, A737V.
Identifiers: ClinVar variation 2116049 (VCV002116049.4), dbSNP rs574529843, ClinGen allele CA2794957.

ClinVar aggregate classification (germline): Uncertain significance (1 of 4 stars; one submission).

Allele frequency attached by ClinVar (database versions not stated): ExAC 0.00001; gnomAD 0.00001; 1000 Genomes Project 30x 0.00016; 1000 Genomes Project 0.00020.

Submission:

Labcorp Genetics (formerly Invitae), Labcorp
Classification: Uncertain significance. Last evaluated: 2022-05-03. Review status: criteria provided, single submitter. Criteria: Invitae Variant Classification Sherloc (09022015). Collection method: clinical testing. Allele origin: germline.
Comment: In summary, the available evidence is currently insufficient to determine the role of this variant in disease. Therefore, it has been classified as a Variant of Uncertain Significance. Algorithms developed to predict the effect of missense changes on protein structure and function are either unavailable or do not agree on the potential impact of this missense change (SIFT: "Deleterious"; PolyPhen-2: "Probably Damaging"; Align-GVGD: "Class C0"). This variant has not been reported in the literature in individuals affected with PDE6B-related conditions. This variant is present in population databases (rs574529843, gnomAD 0.003%). This sequence change replaces alanine, which is neutral and non-polar, with valine, which is neutral and non-polar, at codon 737 of the PDE6B protein (p.Ala737Val).